The following is an entry in ClinVar:

ClinVar aggregate classification (germline): Pathogenic (1 of 4 stars; one submission).

Conditions:
Hepatic veno-occlusive disease-immunodeficiency syndrome. Also called: Hepatic Veno-Occlusive Disease with Immunodeficiency. Identifiers: Orphanet 79124, MedGen C1856128, MONDO:0009338, OMIM 235550. Disease mechanism: loss of function.

Submission:

Labcorp Genetics (formerly Invitae), Labcorp
Classification: Pathogenic for Hepatic veno-occlusive disease-immunodeficiency syndrome. Last evaluated: 2020-10-21. Review status: criteria provided, single submitter. Criteria: Invitae Variant Classification Sherloc (09022015). Collection method: clinical testing. Allele origin: germline.
Comment: This sequence change creates a premature translational stop signal (p.Ser592Trpfs*13) in the SP110 gene. It is expected to result in an absent or disrupted protein product. This variant is not present in population databases (ExAC no frequency). This variant has not been reported in the literature in individuals with SP110-related conditions. Loss-of-function variants in SP110 are known to be pathogenic (PMID: 16648851, 22621957). For these reasons, this variant has been classified as Pathogenic.

Literature cited by the submitters: PubMed 16648851; PubMed 22621957.

NM_080424.4(SP110):c.1775_1778del (p.Val591_Ser592insTer)

Gene: SP110 (SP110 nuclear body protein; minus strand). Cytogenetic location: 2q37.1.
Variant type: Deletion.
Coding change: c.1775_1778del on transcript NM_080424.4 (MANE Select); coding-DNA positions 1775 to 1778, 4 bases deleted (CTAA; older notation c.1775_1778delCTAA).
Protein change: p.Val591_Ser592insTer.
Molecular consequence: nonsense.
Genome position (GRCh38, 1-based): chr2:230,172,103-230,172,106, TTAG deleted on the plus strand (CTAA on the coding strand, the reverse complement: SP110 is on the minus strand). VCF-style (leftmost placement, unchanged base first): chr2-230172102-CTTAG-C. GRCh37 (hg19) VCF-style: chr2-231036818-CTTAG-C.
Other names: c.1793_1796del, p.Val597_Ser598insTer (NM_001378442.1, NM_001378444.1, NM_001378445.1 and 1 more transcripts); c.1775_1778del, p.Val591_Ser592insTer (NM_001378443.1, NM_004509.5).
Identifiers: ClinVar variation 1458064 (VCV001458064.1), dbSNP rs2106348318, ClinGen allele CA2573135416.